The following is an entry in ClinVar:

ClinVar aggregate classification (germline): Benign/Likely benign. Review status: criteria provided, multiple submitters, no conflicts (2 of 4 stars). 4 submissions from 4 submitters: Benign (1); Likely benign (2). 1 of the submissions does not count toward it. Last evaluated 2026-01-27.

Conditions:
PLCG2-related disorder. Also called: PLCG2-related condition.
Familial cold autoinflammatory syndrome 3 (FCAS3). Also called: FAMILIAL ATYPICAL COLD URTICARIA; ANTIBODY DEFICIENCY AND IMMUNE DYSREGULATION, PLCG2-ASSOCIATED. Identifiers: Orphanet 300359, MedGen C3280914, MONDO:0013766, OMIM 614468.
Autoinflammation-PLCG2-associated antibody deficiency-immune dysregulation. Also called: Autoinflammation, antibody deficiency, and immune dysregulation, plcg2-associated; Autoinflammation, antibody deficiency, and immune dysregulation syndrome; AUTOINFLAMMATION, ANTIBODY DEFICIENCY, AND IMMUNE DYSREGULATION. Identifiers: Orphanet 324530, MedGen C3553961, MONDO:0013944, OMIM 614878.

Allele frequency attached by ClinVar (database versions not stated): TOPMed 0.00054; ESP Exome Variant Server 0.00055; 1000 Genomes Project 0.00080; 1000 Genomes Project 30x 0.00094.
gnomAD v4.1: 175 of 1,613,670 alleles (0.011%); highest among the groups gnomAD compares: African/African-American, 0.2%; no homozygotes.

Submissions (4):

Labcorp Genetics (formerly Invitae), Labcorp
Classification: Benign for Familial cold autoinflammatory syndrome 3. Last evaluated: 2026-01-27. Review status: criteria provided, single submitter. Criteria: Invitae Variant Classification Sherloc (09022015). Collection method: clinical testing. Allele origin: germline.

Blueprint Genetics
Classification: Likely benign. Last evaluated: 2023-12-27. Review status: criteria provided, single submitter. Criteria: ACMG Guidelines, 2015. Collection method: clinical testing. Allele origin: germline.

Fulgent Genetics
Classification: Likely benign for Familial cold autoinflammatory syndrome 3; Autoinflammation-PLCG2-associated antibody deficiency-immune dysregulation. Last evaluated: 2021-09-03. Review status: criteria provided, single submitter. Criteria: ACMG Guidelines, 2015. Collection method: clinical testing. Allele origin: unknown.

PreventionGenetics, part of Exact Sciences
Classification: Likely benign for PLCG2-related condition. Last evaluated: 2019-08-16. Review status: no assertion criteria provided. Collection method: clinical testing. Allele origin: germline. Not counted in ClinVar's aggregate classification.
Comment: This variant is classified as likely benign based on ACMG/AMP sequence variant interpretation guidelines (Richards et al. 2015 PMID: 25741868, with internal and published modifications).

NM_002661.5(PLCG2):c.324G>C (p.Thr108=)

Gene: PLCG2 (phospholipase C gamma 2; plus strand). Cytogenetic location: 16q23.3.
Variant type: single nucleotide variant.
Coding change: c.324G>C on transcript NM_002661.5 (MANE Select); coding-DNA position 324, G replaced by C.
Protein change: p.Thr108=; no amino-acid change (threonine 108 retained).
Molecular consequence: synonymous variant.
Genome position (GRCh38, 1-based): chr16:81,854,574, G>C. VCF-style: chr16-81854574-G-C. GRCh37 (hg19) VCF-style: chr16-81888179-G-C.
Identifiers: ClinVar variation 731461 (VCV000731461.12), dbSNP rs189282309, ClinGen allele CA8193126.